The following is an entry in ClinVar:

NM_002485.5(NBN):c.2126_2127insTA (p.Ala710fs)

Gene: NBN (nibrin; minus strand). Cytogenetic location: 8q21.3.
Variant type: Insertion.
Coding change: c.2126_2127insTA on transcript NM_002485.5 (MANE Select); coding-DNA positions 2126 to 2127, TA inserted.
Protein change: p.Ala710fs; shifts the reading frame from alanine 710.
Molecular consequence: frameshift variant.
Genome position: GRCh38 VCF-style: chr8-89943310-T-TTA. GRCh37 (hg19) VCF-style: chr8-90955538-T-TTA.
Other names: c.1880_1881insTA, p.Ala628fs (NM_001024688.3); short protein forms A628fs, A710fs.
Identifiers: ClinVar variation 2452391 (VCV002452391.2), dbSNP rs2488191393, ClinGen allele CA2580079018.

ClinVar aggregate classification (germline): Pathogenic (1 of 4 stars; one submission).

Conditions:
Hereditary cancer-predisposing syndrome. Also called: Neoplastic Syndromes, Hereditary; Tumor predisposition; Hereditary neoplastic syndrome; Hereditary Cancer Syndrome. Identifiers: Orphanet 140162, MedGen C0027672, MeSH D009386, MONDO:0015356.

Submission:

Ambry Genetics
Classification: Pathogenic for Hereditary cancer-predisposing syndrome. Last evaluated: 2022-11-01. Review status: criteria provided, single submitter. Criteria: Ambry Variant Classification Scheme 2023. Collection method: clinical testing. Allele origin: germline.
Comment: The c.2126_2127insTA pathogenic mutation, located in coding exon 14 of the NBN gene, results from an insertion of two nucleotides at position 2126, causing a translational frameshift with a predicted alternate stop codon (p.A710Kfs*11). This variant is considered to be rare based on population cohorts in the Genome Aggregation Database (gnomAD). This alteration is expected to result in loss of function by premature protein truncation or nonsense-mediated mRNA decay. As such, this alteration is interpreted as a disease-causing mutation.